The following is an entry in ClinVar:

ClinVar aggregate classification (germline): Uncertain significance (1 of 4 stars; one submission).

Allele frequency attached by ClinVar (database versions not stated): gnomAD exomes below 0.00001.

Submission:

CeGaT Center for Human Genetics Tuebingen
Classification: Uncertain significance. Last evaluated: 2022-09-01. Review status: criteria provided, single submitter. Criteria: CeGaT Center For Human Genetics Tuebingen Variant Classification Criteria Version 2. Collection method: clinical testing. Allele origin: germline. Affected: yes. Observed: 1 variant allele.
Comment: SPEN: PM2, BP4

NM_015001.3(SPEN):c.7486A>G (p.Thr2496Ala)

Gene: SPEN (spen family transcriptional repressor; plus strand). Cytogenetic location: 1p36.13.
Variant type: single nucleotide variant.
Coding change: c.7486A>G on transcript NM_015001.3 (MANE Select); coding-DNA position 7486, A replaced by G.
Protein change: p.Thr2496Ala; replaces threonine 2496 with alanine.
Molecular consequence: missense variant.
Genome position (GRCh38, 1-based): chr1:15,933,726, A>G. VCF-style: chr1-15933726-A-G. GRCh37 (hg19) VCF-style: chr1-16260221-A-G.
Other names: short protein forms T2496A.
Identifiers: ClinVar variation 2638334 (VCV002638334.24), dbSNP rs2523090108, ClinGen allele CA338644623.